The following is an entry in ClinVar:

NM_001282933.2(ZNF341):c.859G>A (p.Gly287Arg)

Gene: ZNF341 (zinc finger protein 341; plus strand). Cytogenetic location: 20q11.22.
Variant type: single nucleotide variant.
Coding change: c.859G>A on transcript NM_001282933.2 (MANE Select); coding-DNA position 859, G replaced by A.
Protein change: p.Gly287Arg; replaces glycine 287 with arginine.
Molecular consequence: missense variant. On other transcripts: non-coding transcript variant (1).
Genome position (GRCh38, 1-based): chr20:33,757,265, G>A. VCF-style: chr20-33757265-G-A. GRCh37 (hg19) VCF-style: chr20-32345071-G-A.
Other names: c.589G>A, p.Gly197Arg (NM_001282935.2); c.859G>A, p.Gly287Arg (NM_032819.5); short protein forms G287R, G197R.
Identifiers: ClinVar variation 1448124 (VCV001448124.5), dbSNP rs149362037, ClinGen allele CA9819291.
Genomic context (GRCh38, chr20:33,757,265, plus strand): 5'-GGCAAACAGGGATTCAAACCCAAAGGACCAAACCCCGCCGCCCCCATGACCAGCGCCACC[G>A]GGGGCACGGTGGCCACCTTTGACTCTCCAGCAACGCTGAAGACCCGACGAGCTAAAGGTG-3'
Protein context (NP_001269862.1, residues 277-297): NPAAPMTSAT[Gly287Arg]GTVATFDSPA

ClinVar aggregate classification (germline): Uncertain significance (1 of 4 stars; one submission).

gnomAD v4.1: 75 of 1,604,216 alleles (0.0047%); highest among the groups gnomAD compares: Non-Finnish European, 0.006%; no homozygotes.

Submission:

Labcorp Genetics (formerly Invitae), Labcorp
Classification: Uncertain significance. Last evaluated: 2022-06-13. Review status: criteria provided, single submitter. Criteria: Invitae Variant Classification Sherloc (09022015). Collection method: clinical testing. Allele origin: germline.
Comment: This sequence change replaces glycine, which is neutral and non-polar, with arginine, which is basic and polar, at codon 287 of the ZNF341 protein (p.Gly287Arg). The frequency data for this variant in the population databases is considered unreliable, as metrics indicate poor data quality at this position in the gnomAD database. This variant has not been reported in the literature in individuals affected with ZNF341-related conditions. Algorithms developed to predict the effect of missense changes on protein structure and function output the following: SIFT: "Tolerated"; PolyPhen-2: "Benign"; Align-GVGD: "Class C0". The arginine amino acid residue is found in multiple mammalian species, which suggests that this missense change does not adversely affect protein function. In summary, the available evidence is currently insufficient to determine the role of this variant in disease. Therefore, it has been classified as a Variant of Uncertain Significance.